The following is an entry in ClinVar:

NM_020719.3(PRR12):c.2586G>A (p.Ala862=)

Gene: PRR12 (proline rich 12; plus strand). Cytogenetic location: 19q13.33.
Variant type: single nucleotide variant.
Coding change: c.2586G>A on transcript NM_020719.3 (MANE Select); coding-DNA position 2586, G replaced by A.
Protein change: p.Ala862=; no amino-acid change (alanine 862 retained).
Molecular consequence: synonymous variant.
Genome position (GRCh38, 1-based): chr19:49,596,921, G>A. VCF-style: chr19-49596921-G-A. GRCh37 (hg19) VCF-style: chr19-50100178-G-A.
Identifiers: ClinVar variation 2650262 (VCV002650262.24), dbSNP rs374275189, ClinGen allele CA9578149.

ClinVar aggregate classification (germline): Likely benign (1 of 4 stars; one submission).

Allele frequency attached by ClinVar (database versions not stated): TOPMed 0.00009; ESP Exome Variant Server 0.00013; gnomAD 0.00016; ExAC 0.00029.
gnomAD v4.1: 167 of 1,517,750 alleles (0.011%); highest among the groups gnomAD compares: Non-Finnish European, 0.014%; no homozygotes.

Submission:

CeGaT Center for Human Genetics Tuebingen
Classification: Likely benign. Last evaluated: 2023-10-01. Review status: criteria provided, single submitter. Criteria: CeGaT Center For Human Genetics Tuebingen Variant Classification Criteria Version 2. Collection method: clinical testing. Allele origin: germline. Affected: yes. Observed: 1 variant allele.
Comment: PRR12: BP4, BP7